The following is an entry in ClinVar:

ClinVar aggregate classification (germline): Likely benign. Review status: criteria provided, multiple submitters, no conflicts (2 of 4 stars). 3 submissions from 3 submitters: Likely benign (3). Last evaluated 2025-12-16.

Conditions:
CACNB2-related disorder. Also called: CACNB2-related condition.
Cardiovascular phenotype. Identifiers: MedGen CN230736.
Brugada syndrome 4 (BRGDA4). Identifiers: Orphanet 130, MedGen C2678477, MONDO:0012743, OMIM 611876.

Allele frequency attached by ClinVar (database versions not stated): gnomAD 0.00001; TOPMed 0.00001; ExAC 0.00002; 1000 Genomes Project 30x 0.00016; 1000 Genomes Project 0.00020.
gnomAD v4.1: 16 of 1,613,106 alleles (0.00099%); highest among the groups gnomAD compares: East Asian, 0.0022%; no homozygotes.

Submissions (3):

Labcorp Genetics (formerly Invitae), Labcorp
Classification: Likely benign for Brugada syndrome 4. Last evaluated: 2025-12-16. Review status: criteria provided, single submitter. Criteria: Invitae Variant Classification Sherloc (09022015). Collection method: clinical testing. Allele origin: germline.

PreventionGenetics, part of Exact Sciences
Classification: Likely benign for CACNB2-related condition. Last evaluated: 2025-07-28. Review status: criteria provided, single submitter. Criteria: ACMG Guidelines, 2015. Collection method: clinical testing. Allele origin: germline.
Comment: This variant is classified as likely benign based on ACMG/AMP sequence variant interpretation guidelines (Richards et al. 2015 PMID: 25741868, with internal and published modifications).

Ambry Genetics
Classification: Likely benign for Cardiovascular phenotype. Last evaluated: 2020-01-27. Review status: criteria provided, single submitter. Criteria: Ambry Variant Classification Scheme 2023. Collection method: clinical testing. Allele origin: germline.

NM_201596.3(CACNB2):c.822G>A (p.Pro274=)

Gene: CACNB2 (calcium voltage-gated channel auxiliary subunit beta 2; plus strand). Cytogenetic location: 10p12.31.
Variant type: single nucleotide variant.
Coding change: c.822G>A on transcript NM_201596.3 (MANE Select); coding-DNA position 822, G replaced by A.
Protein change: p.Pro274=; no amino-acid change (proline 274 retained).
Molecular consequence: synonymous variant.
Genome position (GRCh38, 1-based): chr10:18,518,353, G>A. VCF-style: chr10-18518353-G-A. GRCh37 (hg19) VCF-style: chr10-18807282-G-A.
Other names: c.657G>A, p.Pro219= (NM_000724.4); c.624G>A, p.Pro208= (NM_001167945.2); c.543G>A, p.Pro181= (NM_001330060.2); c.678G>A, p.Pro226= (NM_201570.3); c.738G>A, p.Pro246= (NM_201571.4); c.666G>A, p.Pro222= (NM_201572.4); c.660G>A, p.Pro220= (NM_201590.3); c.708G>A, p.Pro236= (NM_201593.3); and 1 more.
Identifiers: ClinVar variation 1604445 (VCV001604445.11), dbSNP rs199908591, ClinGen allele CA5429796.